The following is an entry in ClinVar:

NM_000459.5(TEK):c.1319C>T (p.Ser440Phe)

Gene: TEK (TEK receptor tyrosine kinase; plus strand). Cytogenetic location: 9p21.2.
Variant type: single nucleotide variant.
Coding change: c.1319C>T on transcript NM_000459.5 (MANE Select); coding-DNA position 1319, C replaced by T.
Protein change: p.Ser440Phe; replaces serine 440 with phenylalanine.
Molecular consequence: missense variant.
Genome position (GRCh38, 1-based): chr9:27,185,621, C>T. VCF-style: chr9-27185621-C-T. GRCh37 (hg19) VCF-style: chr9-27185619-C-T.
Other names: c.1190C>T, p.Ser397Phe (NM_001290077.2, NM_001375476.1); c.878C>T, p.Ser293Phe (NM_001290078.2); c.1319C>T, p.Ser440Phe (NM_001375475.1); short protein forms S293F, S397F, S440F.
Identifiers: ClinVar variation 3233823 (VCV003233823.2), dbSNP rs1217204389, ClinGen allele CA373131076.
Genomic context (GRCh38, chr9:27,185,621, plus strand): 5'-GAGTTTGGGTCTGCAGTGTGAACACAGTGGCTGGGATGGTGGAAAAGCCCTTCAACATTT[C>T]TGTTAAAGGTAAGTTCATTTCCCAGAAAAAGGGATTGTGTCCTTGATGCATTATGTTTTT-3'
Protein context (NP_000450.3, residues 430-450): AGMVEKPFNI[Ser440Phe]VKVLPKPLNA

ClinVar aggregate classification (germline): Uncertain significance (1 of 4 stars; one submission).

gnomAD v4.1: 1 of 1,613,608 alleles (0.000062%); highest among the groups gnomAD compares: South Asian, 0.0011%; no homozygotes.

Submission:

Women's Health and Genetics/Laboratory Corporation of America, LabCorp
Classification: Uncertain significance. Last evaluated: 2024-03-21. Review status: criteria provided, single submitter. Criteria: LabCorp Variant Classification Summary - May 2015. Collection method: clinical testing. Allele origin: germline.
Comment: Variant summary: TEK c.1319C>T (p.Ser440Phe) results in a non-conservative amino acid change located in the Fibronectin type IIII (IPR003961) of the encoded protein sequence. Three of five in-silico tools predict a damaging effect of the variant on protein function. The variant allele was found at a frequency of 4e-06 in 250890 control chromosomes. The available data on variant occurrences in the general population are insufficient to allow any conclusion about variant significance. To our knowledge, no occurrence of c.1319C>T in individuals affected with Glaucoma 3, Primary Infantile, B and no experimental evidence demonstrating its impact on protein function have been reported. No submitters have cited clinical-significance assessments for this variant to ClinVar. Based on the evidence outlined above, the variant was classified as uncertain significance.